The following is an entry in ClinVar:

NM_000702.4(ATP1A2):c.836G>A (p.Arg279Gln)

Gene: ATP1A2 (ATPase Na+/K+ transporting subunit alpha 2; plus strand). Cytogenetic location: 1q23.2.
Variant type: single nucleotide variant.
Coding change: c.836G>A on transcript NM_000702.4 (MANE Select); coding-DNA position 836, G replaced by A.
Protein change: p.Arg279Gln; replaces arginine 279 with glutamine.
Molecular consequence: missense variant.
Genome position (GRCh38, 1-based): chr1:160,127,639, G>A. VCF-style: chr1-160127639-G-A. GRCh37 (hg19) VCF-style: chr1-160097429-G-A.
Other names: p.R279Q:CGG>CAG; short protein forms R279Q.
Identifiers: ClinVar variation 198746 (VCV000198746.19), dbSNP rs373178892, ClinGen allele CA247550.

ClinVar aggregate classification (germline): Conflicting classifications of pathogenicity. Review status: criteria provided, conflicting classifications (1 of 4 stars). 5 submissions from 5 submitters: Uncertain significance (1); Likely benign (3). 1 of the submissions does not count toward it. Last evaluated 2026-01-28.

Conditions:
ATP1A2-related disorder. Also called: ATP1A2-related condition; ATP1A2-RELATED DISORDERS.
Inborn genetic diseases. Identifiers: MedGen C0950123, MeSH D030342.
Familial hemiplegic migraine. Identifiers: MedGen C0338484, MONDO:0000700.

Allele frequency attached by ClinVar (database versions not stated): 1000 Genomes Project 30x 0.00016; ExAC 0.00016; 1000 Genomes Project 0.00020; ESP Exome Variant Server 0.00031; gnomAD 0.00050 and 0.00056; TOPMed 0.00054; gnomAD exomes 0.00012.

Submissions (5):

Labcorp Genetics (formerly Invitae), Labcorp
Classification: Likely benign for Familial hemiplegic migraine. Last evaluated: 2026-01-28. Review status: criteria provided, single submitter. Criteria: Invitae Variant Classification Sherloc (09022015). Collection method: clinical testing. Allele origin: germline.

Ambry Genetics
Classification: Likely benign for Inborn genetic diseases. Last evaluated: 2018-07-31. Review status: criteria provided, single submitter. Criteria: Ambry Variant Classification Scheme 2023. Collection method: clinical testing. Allele origin: germline.

Eurofins Ntd Llc (ga)
Classification: Uncertain significance. Last evaluated: 2018-03-29. Review status: criteria provided, single submitter. Criteria: EGL ClinVar v180209 classification definitions. Collection method: clinical testing. Allele origin: germline. Observed: 3 variant alleles, 3 heterozygotes.

GeneDx
Classification: Likely benign. Last evaluated: 2013-08-08. Review status: criteria provided, single submitter. Criteria: GeneDx Variant Classification (06012015). Collection method: clinical testing. Allele origin: germline. Affected: yes.
Comment: This variant is considered likely benign or benign based on one or more of the following criteria: it is a conservative change, it occurs at a poorly conserved position in the protein, it is predicted to be benign by multiple in silico algorithms, and/or has population frequency not consistent with disease.

PreventionGenetics, part of Exact Sciences
Classification: Likely benign for ATP1A2-related condition. Last evaluated: 2024-01-19. Review status: no assertion criteria provided. Collection method: clinical testing. Allele origin: germline. Not counted in ClinVar's aggregate classification.
Comment: This variant is classified as likely benign based on ACMG/AMP sequence variant interpretation guidelines (Richards et al. 2015 PMID: 25741868, with internal and published modifications).